The following is an entry in ClinVar:

ClinVar aggregate classification (germline): Uncertain significance. Review status: criteria provided, multiple submitters, no conflicts (2 of 4 stars). 2 submissions from 2 submitters: Uncertain significance (2). Last evaluated 2024-11-04.

Conditions:
Emery-Dreifuss muscular dystrophy 5, autosomal dominant (EDMD5). Also called: EMERY-DREIFUSS MUSCULAR DYSTROPHY 5. Identifiers: Orphanet 261, MedGen C2751805, MONDO:0013072, OMIM 612999.

Submissions (2):

Labcorp Genetics (formerly Invitae), Labcorp
Classification: Uncertain significance for Emery-Dreifuss muscular dystrophy 5, autosomal dominant. Last evaluated: 2024-11-04. Review status: criteria provided, single submitter. Criteria: Invitae Variant Classification Sherloc (09022015). Collection method: clinical testing. Allele origin: germline.
Comment: This sequence change replaces histidine, which is basic and polar, with glutamine, which is neutral and polar, at codon 1295 of the SYNE2 protein (p.His1295Gln). This variant is not present in population databases (gnomAD no frequency). This variant has not been reported in the literature in individuals affected with SYNE2-related conditions. ClinVar contains an entry for this variant (Variation ID: 281284). An algorithm developed to predict the effect of missense changes on protein structure and function outputs the following: PolyPhen-2: "Benign". The glutamine amino acid residue is found in multiple mammalian species, which suggests that this missense change does not adversely affect protein function. Algorithms developed to predict the effect of sequence changes on RNA splicing suggest that this variant may create or strengthen a splice site. In summary, the available evidence is currently insufficient to determine the role of this variant in disease. Therefore, it has been classified as a Variant of Uncertain Significance.

Eurofins Ntd Llc (ga)
Classification: Uncertain significance. Last evaluated: 2015-06-29. Review status: criteria provided, single submitter. Criteria: EGL Classification Definitions 2015. Collection method: clinical testing. Allele origin: germline. Observed: 1 variant allele, 1 heterozygote.

NM_182914.3(SYNE2):c.3885C>G (p.His1295Gln)

Gene: SYNE2 (spectrin repeat containing nuclear envelope protein 2; plus strand). Cytogenetic location: 14q23.2.
Variant type: single nucleotide variant.
Coding change: c.3885C>G on transcript NM_182914.3 (MANE Select); coding-DNA position 3885, C replaced by G.
Protein change: p.His1295Gln; replaces histidine 1295 with glutamine.
Molecular consequence: missense variant.
Genome position (GRCh38, 1-based): chr14:64,002,818, C>G. VCF-style: chr14-64002818-C-G. GRCh37 (hg19) VCF-style: chr14-64469536-C-G.
Other names: c.3885C>G, p.His1295Gln (NM_015180.6); short protein forms H1295Q.
Identifiers: ClinVar variation 281284 (VCV000281284.13), dbSNP rs570341792, ClinGen allele CA10603832.
Genomic context (GRCh38, chr14:64,002,818, plus strand): 5'-TAACCGCTTAGAAGAGCCAGGCAACTTTGTATTAAAGGAGTTACACCCATTTGATCTACA[C>G]GCAATGCAGAATATTATACTGAAATACAAAACACAATTTGAAGGAATGAACCACAGGGTG-3'
Protein context (NP_878918.2, residues 1285-1305): VLKELHPFDL[His1295Gln]AMQNIILKYK